The following is an entry in ClinVar:

ClinVar aggregate classification (germline): Uncertain significance (1 of 4 stars; one submission).

Submission:

GeneDx
Classification: Uncertain significance. Last evaluated: 2025-08-13. Review status: criteria provided, single submitter. Criteria: GeneDx Variant Classification Process June 2021. Collection method: clinical testing. Allele origin: germline. Affected: yes.
Comment: Not observed at significant frequency in large population cohorts (gnomAD); In silico analysis supports that this missense variant has a deleterious effect on protein structure/function; Has not been previously published as pathogenic or benign to our knowledge

NM_014727.3(KMT2B):c.7774A>C (p.Lys2592Gln)

Gene: KMT2B (lysine methyltransferase 2B; plus strand). Cytogenetic location: 19q13.12.
Variant type: single nucleotide variant.
Coding change: c.7774A>C on transcript NM_014727.3 (MANE Select); coding-DNA position 7774, A replaced by C.
Protein change: p.Lys2592Gln; replaces lysine 2592 with glutamine.
Molecular consequence: missense variant.
Genome position (GRCh38, 1-based): chr19:35,738,093, A>C. VCF-style: chr19-35738093-A-C. GRCh37 (hg19) VCF-style: chr19-36228994-A-C.
Other names: short protein forms K2592Q.
Identifiers: ClinVar variation 4795781 (VCV004795781.1).